The following is an entry in ClinVar:

ClinVar aggregate classification (germline): Uncertain significance (1 of 4 stars; one submission).

Submission:

Labcorp Genetics (formerly Invitae), Labcorp
Classification: Uncertain significance. Last evaluated: 2022-03-18. Review status: criteria provided, single submitter. Criteria: Invitae Variant Classification Sherloc (09022015). Collection method: clinical testing. Allele origin: germline.
Comment: This variant is not present in population databases (gnomAD no frequency). This variant has not been reported in the literature in individuals affected with KCNK4-related conditions. Algorithms developed to predict the effect of missense changes on protein structure and function are either unavailable or do not agree on the potential impact of this missense change (SIFT: "Not Available"; PolyPhen-2: "Possibly Damaging"; Align-GVGD: "Not Available"). In summary, the available evidence is currently insufficient to determine the role of this variant in disease. Therefore, it has been classified as a Variant of Uncertain Significance. This sequence change replaces leucine with proline at codon 111 of the KCNK4 protein (p.Leu111Pro). The leucine residue is moderately conserved and there is a moderate physicochemical difference between leucine and proline.

NM_033310.3(KCNK4):c.332T>C (p.Leu111Pro)

Genes: KCNK4 (potassium two pore domain channel subfamily K member 4; plus strand), KCNK4-CATSPERZ (KCNK4-CATSPERZ readthrough (NMD candidate); plus strand). Cytogenetic location: 11q13.1.
Variant type: single nucleotide variant.
Coding change: c.332T>C on transcript NM_033310.3 (MANE Select); coding-DNA position 332, T replaced by C.
Protein change: p.Leu111Pro; replaces leucine 111 with proline.
Molecular consequence: missense variant. On other transcripts: non-coding transcript variant (3).
Genome position (GRCh38, 1-based): chr11:64,297,137, T>C. VCF-style: chr11-64297137-T-C. GRCh37 (hg19) VCF-style: chr11-64064609-T-C.
Other names: c.332T>C, p.Leu111Pro (NM_001317090.2); short protein forms L111P.
Identifiers: ClinVar variation 1463729 (VCV001463729.6), dbSNP rs2135231642, ClinGen allele CA381163635.